The following is an entry in ClinVar:

NM_001277115.2(DNAH11):c.4159G>A (p.Val1387Ile)

Gene: DNAH11 (dynein axonemal heavy chain 11; plus strand). Cytogenetic location: 7p15.3.
Variant type: single nucleotide variant.
Coding change: c.4159G>A on transcript NM_001277115.2 (MANE Select); coding-DNA position 4159, G replaced by A.
Protein change: p.Val1387Ile; replaces valine 1387 with isoleucine.
Molecular consequence: missense variant.
Genome position (GRCh38, 1-based): chr7:21,617,682, G>A. VCF-style: chr7-21617682-G-A. GRCh37 (hg19) VCF-style: chr7-21657300-G-A.
Other names: c.4174G>A, p.Val1392Ile (NM_003777.3); c.4159G>A (NM_001277115.1); short protein forms V1392I, V1387I.
Identifiers: ClinVar variation 2732412 (VCV002732412.4), dbSNP rs140876382, ClinGen allele CA4179925.

ClinVar aggregate classification (germline): Conflicting classifications of pathogenicity. Review status: criteria provided, conflicting classifications (1 of 4 stars). 2 submissions from 2 submitters: Uncertain significance (1); Benign (1). Last evaluated 2024-04-25.

Conditions:
Primary ciliary dyskinesia. Also called: Ciliary dyskinesia. Identifiers: Orphanet 244, MedGen C0008780, MONDO:0016575, HP:0012265.

Allele frequency attached by ClinVar (database versions not stated): gnomAD exomes below 0.00001; ExAC 0.00003; gnomAD 0.00005; TOPMed 0.00008; 1000 Genomes Project 0.00020; ESP Exome Variant Server 0.00025; 1000 Genomes Project 30x 0.00031.
gnomAD v4.1: 11 of 1,613,898 alleles (0.00068%); highest among the groups gnomAD compares: African/African-American, 0.012%; no homozygotes.

Submissions (2):

Ambry Genetics
Classification: Uncertain significance for Primary ciliary dyskinesia. Last evaluated: 2024-04-25. Review status: criteria provided, single submitter. Criteria: Ambry Variant Classification Scheme 2023. Collection method: clinical testing. Allele origin: germline.
Comment: The p.V1387I variant (also known as c.4159G>A), located in coding exon 23 of the DNAH11 gene, results from a G to A substitution at nucleotide position 4159. The valine at codon 1387 is replaced by isoleucine, an amino acid with highly similar properties. This amino acid position is conserved. In addition, this alteration is predicted to be tolerated by in silico analysis. Based on the available evidence, the clinical significance of this variant remains unclear.

Labcorp Genetics (formerly Invitae), Labcorp
Classification: Benign for Primary ciliary dyskinesia. Last evaluated: 2023-02-18. Review status: criteria provided, single submitter. Criteria: Invitae Variant Classification Sherloc (09022015). Collection method: clinical testing. Allele origin: germline.